The following is an entry in ClinVar:

NM_014003.4(DHX38):c.1950C>G (p.Ile650Met)

Gene: DHX38 (DEAH-box helicase 38; plus strand). Cytogenetic location: 16q22.2.
Variant type: single nucleotide variant.
Coding change: c.1950C>G on transcript NM_014003.4 (MANE Select); coding-DNA position 1950, C replaced by G.
Protein change: p.Ile650Met; replaces isoleucine 650 with methionine.
Molecular consequence: missense variant.
Genome position (GRCh38, 1-based): chr16:72,104,071, C>G. VCF-style: chr16-72104071-C-G. GRCh37 (hg19) VCF-style: chr16-72137970-C-G.
Other names: short protein forms I650M.
Identifiers: ClinVar variation 4740403 (VCV004740403.1).

ClinVar aggregate classification (germline): Uncertain significance (1 of 4 stars; one submission).

Submission:

Labcorp Genetics (formerly Invitae), Labcorp
Classification: Uncertain significance. Last evaluated: 2025-06-24. Review status: criteria provided, single submitter. Criteria: Invitae Variant Classification Sherloc (09022015). Collection method: clinical testing. Allele origin: germline.
Comment: This sequence change replaces isoleucine, which is neutral and non-polar, with methionine, which is neutral and non-polar, at codon 650 of the DHX38 protein (p.Ile650Met). This variant is not present in population databases (gnomAD no frequency). This variant has not been reported in the literature in individuals affected with DHX38-related conditions. Invitae Evidence Modeling of protein sequence and biophysical properties (such as structural, functional, and spatial information, amino acid conservation, physicochemical variation, residue mobility, and thermodynamic stability) indicates that this missense variant is expected to disrupt DHX38 protein function with a positive predictive value of 80%. In summary, the available evidence is currently insufficient to determine the role of this variant in disease. Therefore, it has been classified as a Variant of Uncertain Significance.